The following is an entry in ClinVar:

NM_001377295.2(GNAT2):c.148G>A (p.Val50Ile)

Gene: GNAT2 (G protein subunit alpha transducin 2; minus strand). Cytogenetic location: 1p13.3.
Variant type: single nucleotide variant.
Coding change: c.148G>A on transcript NM_001377295.2 (MANE Select); coding-DNA position 148, G replaced by A.
Protein change: p.Val50Ile; replaces valine 50 with isoleucine.
Molecular consequence: missense variant.
Genome position (GRCh38, 1-based): chr1:109,610,478, C>T on the plus strand (G>A on the coding strand, the complement: GNAT2 is on the minus strand). VCF-style: chr1-109610478-C-T. GRCh37 (hg19) VCF-style: chr1-110153100-C-T.
Other names: c.148G>A, p.Val50Ile (NM_001379232.1, NM_005272.5); short protein forms V50I.
Identifiers: ClinVar variation 968426 (VCV000968426.8), dbSNP rs749334089, ClinGen allele CA992509.

ClinVar aggregate classification (germline): Uncertain significance. Review status: criteria provided, multiple submitters, no conflicts (2 of 4 stars). 2 submissions from 2 submitters: Uncertain significance (2). Last evaluated 2025-01-07.

Conditions:
Inborn genetic diseases. Identifiers: MedGen C0950123, MeSH D030342.

Allele frequency attached by ClinVar (database versions not stated): ExAC 0.00002; gnomAD exomes 0.00002; gnomAD 0.00003 and 0.00004; TOPMed 0.00004.
gnomAD v4.1: 35 of 1,613,720 alleles (0.0022%); highest among the groups gnomAD compares: Non-Finnish European, 0.0025%; no homozygotes.

Submissions (2):

Ambry Genetics
Classification: Uncertain significance for Inborn genetic diseases. Last evaluated: 2025-01-07. Review status: criteria provided, single submitter. Criteria: Ambry Variant Classification Scheme 2023. Collection method: clinical testing. Allele origin: germline.

Labcorp Genetics (formerly Invitae), Labcorp
Classification: Uncertain significance. Last evaluated: 2022-11-29. Review status: criteria provided, single submitter. Criteria: Invitae Variant Classification Sherloc (09022015). Collection method: clinical testing. Allele origin: germline.
Comment: In summary, the available evidence is currently insufficient to determine the role of this variant in disease. Therefore, it has been classified as a Variant of Uncertain Significance. Advanced modeling of protein sequence and biophysical properties (such as structural, functional, and spatial information, amino acid conservation, physicochemical variation, residue mobility, and thermodynamic stability) performed at Invitae indicates that this missense variant is not expected to disrupt GNAT2 protein function. ClinVar contains an entry for this variant (Variation ID: 968426). This variant has not been reported in the literature in individuals affected with GNAT2-related conditions. The frequency data for this variant in the population databases is considered unreliable, as metrics indicate poor data quality at this position in the gnomAD database. This sequence change replaces valine, which is neutral and non-polar, with isoleucine, which is neutral and non-polar, at codon 50 of the GNAT2 protein (p.Val50Ile).